The following is an entry in ClinVar:

ClinVar aggregate classification (germline): Uncertain significance (1 of 4 stars; one submission).

Submission:

Ambry Genetics
Classification: Uncertain significance. Last evaluated: 2025-03-14. Review status: criteria provided, single submitter. Criteria: Ambry Variant Classification Scheme 2023. Collection method: clinical testing. Allele origin: germline.
Comment: The p.V43L variant (also known as c.127G>C), located in coding exon 1 of the MLH3 gene, results from a G to C substitution at nucleotide position 127. The valine at codon 43 is replaced by leucine, an amino acid with highly similar properties. This amino acid position is conserved. In addition, the in silico prediction for this alteration is inconclusive. Since supporting evidence is limited at this time, the clinical significance of this alteration remains unclear.

NM_001040108.2(MLH3):c.127G>C (p.Val43Leu)

Gene: MLH3 (mutL homolog 3; minus strand). Cytogenetic location: 14q24.3.
Variant type: single nucleotide variant.
Coding change: c.127G>C on transcript NM_001040108.2 (MANE Select); coding-DNA position 127, G replaced by C.
Protein change: p.Val43Leu; replaces valine 43 with leucine.
Molecular consequence: missense variant.
Genome position (GRCh38, 1-based): chr14:75,049,529, C>G on the plus strand (G>C on the coding strand, the complement: MLH3 is on the minus strand). VCF-style: chr14-75049529-C-G. GRCh37 (hg19) VCF-style: chr14-75516232-C-G.
Other names: c.127G>C, p.Val43Leu (NM_014381.3); short protein forms V43L.
Identifiers: ClinVar variation 1767637 (VCV001767637.3), dbSNP rs554073121, ClinGen allele CA7276090.
Genomic context (GRCh38, chr14:75,049,529, plus strand): 5'-TCCCCATCCCAAATCCATTGTCTATCACTTGAACTTGGAAGGTTTCCATATTCACCCTGA[C>G]AGCCACACATTTTGCTTCAGCATCAATACTGTTGAGGGCAAGTTCCTCAACACATTGGCC-3'
Protein context (NP_001035197.1, residues 33-53): SIDAEAKCVA[Val43Leu]RVNMETFQVQ